The following is an entry in ClinVar:

ClinVar aggregate classification (germline): Uncertain significance. Review status: criteria provided, multiple submitters, no conflicts (2 of 4 stars). 2 submissions from 2 submitters: Uncertain significance (2). Last evaluated 2025-11-06.

Conditions:
Inborn genetic diseases. Identifiers: MedGen C0950123, MeSH D030342.
Hereditary spastic paraplegia 3A (SPG3A). Also called: Spastic paraplegia 3A, autosomal dominant; SPASTIC PARAPLEGIA 3, AUTOSOMAL DOMINANT; FAMILIAL SPASTIC PARAPLEGIA, AUTOSOMAL DOMINANT, 1; SPG3; STRUMPELL DISEASE; Spastic Paraplegia 3A. Identifiers: Orphanet 100984, MedGen C2931355, MONDO:0008437, OMIM 182600.

Allele frequency attached by ClinVar (database versions not stated): ExAC 0.00001; gnomAD 0.00001; gnomAD exomes 0.00001; TOPMed 0.00002.
gnomAD v4.1: 14 of 1,613,404 alleles (0.00087%); highest among the groups gnomAD compares: African/African-American, 0.0013%; no homozygotes.

Submissions (2):

Labcorp Genetics (formerly Invitae), Labcorp
Classification: Uncertain significance for Hereditary spastic paraplegia 3A. Last evaluated: 2025-11-06. Review status: criteria provided, single submitter. Criteria: Invitae Variant Classification Sherloc (09022015). Collection method: clinical testing. Allele origin: germline.
Comment: This sequence change replaces arginine, which is basic and polar, with glutamine, which is neutral and polar, at codon 323 of the ATL1 protein (p.Arg323Gln). This variant is present in population databases (rs767905077, gnomAD 0.003%). This variant has not been reported in the literature in individuals affected with ATL1-related conditions. ClinVar contains an entry for this variant (Variation ID: 1767795). Invitae Evidence Modeling of protein sequence and biophysical properties (such as structural, functional, and spatial information, amino acid conservation, physicochemical variation, residue mobility, and thermodynamic stability) has been performed for this missense variant. However, the output from this modeling did not meet the statistical confidence thresholds required to predict the impact of this variant on ATL1 protein function. In summary, the available evidence is currently insufficient to determine the role of this variant in disease. Therefore, it has been classified as a Variant of Uncertain Significance.

Ambry Genetics
Classification: Uncertain significance for Inborn genetic diseases. Last evaluated: 2020-10-13. Review status: criteria provided, single submitter. Criteria: Ambry Variant Classification Scheme 2023. Collection method: clinical testing. Allele origin: germline.
Comment: The p.R323Q variant (also known as c.968G>A), located in coding exon 9 of the ATL1 gene, results from a G to A substitution at nucleotide position 968. The arginine at codon 323 is replaced by glutamine, an amino acid with highly similar properties. This amino acid position is highly conserved in available vertebrate species. In addition, the in silico prediction for this alteration is inconclusive. Since supporting evidence is limited at this time, the clinical significance of this alteration remains unclear.

NM_015915.5(ATL1):c.968G>A (p.Arg323Gln)

Gene: ATL1 (atlastin GTPase 1; plus strand). Cytogenetic location: 14q22.1.
Variant type: single nucleotide variant.
Coding change: c.968G>A on transcript NM_015915.5 (MANE Select); coding-DNA position 968, G replaced by A.
Protein change: p.Arg323Gln; replaces arginine 323 with glutamine.
Molecular consequence: missense variant.
Genome position (GRCh38, 1-based): chr14:50,620,704, G>A. VCF-style: chr14-50620704-G-A. GRCh37 (hg19) VCF-style: chr14-51087422-G-A.
Other names: c.968G>A, p.Arg323Gln (NM_001127713.1, NM_181598.4); short protein forms R323Q.
Identifiers: ClinVar variation 1767795 (VCV001767795.3), dbSNP rs767905077, ClinGen allele CA7180370.